The following is an entry in ClinVar:

NM_001042472.3(ABHD12):c.830A>G (p.Asn277Ser)

Gene: ABHD12 (abhydrolase domain containing 12, lysophospholipase; minus strand). Cytogenetic location: 20p11.21.
Variant type: single nucleotide variant.
Coding change: c.830A>G on transcript NM_001042472.3 (MANE Select); coding-DNA position 830, A replaced by G.
Protein change: p.Asn277Ser; replaces asparagine 277 with serine.
Molecular consequence: missense variant.
Genome position (GRCh38, 1-based): chr20:25,308,003, T>C on the plus strand (A>G on the coding strand, the complement: ABHD12 is on the minus strand). VCF-style: chr20-25308003-T-C. GRCh37 (hg19) VCF-style: chr20-25288639-T-C.
Other names: c.830A>G, p.Asn277Ser (NM_015600.5); short protein forms N277S.
Identifiers: ClinVar variation 1422758 (VCV001422758.8), dbSNP rs2145931337, ClinGen allele CA408455878.

ClinVar aggregate classification (germline): Uncertain significance (1 of 4 stars; one submission).

Allele frequency attached by ClinVar (database versions not stated): gnomAD exomes 0.00001.
gnomAD v4.1: 6 of 1,609,818 alleles (0.00037%); highest among the groups gnomAD compares: Non-Finnish European, 0.00051%; no homozygotes.

Submission:

Labcorp Genetics (formerly Invitae), Labcorp
Classification: Uncertain significance. Last evaluated: 2023-06-30. Review status: criteria provided, single submitter. Criteria: Invitae Variant Classification Sherloc (09022015). Collection method: clinical testing. Allele origin: germline.
Comment: In summary, the available evidence is currently insufficient to determine the role of this variant in disease. Therefore, it has been classified as a Variant of Uncertain Significance. Advanced modeling of protein sequence and biophysical properties (such as structural, functional, and spatial information, amino acid conservation, physicochemical variation, residue mobility, and thermodynamic stability) performed at Invitae indicates that this missense variant is not expected to disrupt ABHD12 protein function. ClinVar contains an entry for this variant (Variation ID: 1422758). This variant is not present in population databases (gnomAD no frequency). This variant has not been reported in the literature in individuals affected with ABHD12-related conditions. This sequence change replaces asparagine, which is neutral and polar, with serine, which is neutral and polar, at codon 277 of the ABHD12 protein (p.Asn277Ser).